The following is an entry in ClinVar:

NM_145331.3(MAP3K7):c.607+5A>C

Gene: MAP3K7 (mitogen-activated protein kinase kinase kinase 7; minus strand). Cytogenetic location: 6q15.
Variant type: single nucleotide variant.
Coding change: c.607+5A>C on transcript NM_145331.3 (MANE Select); 5 bases into the intron after coding-DNA position 607, A replaced by C.
Molecular consequence: intron variant.
Genome position (GRCh38, 1-based): chr6:90,556,495, T>G on the plus strand (A>C on the coding strand, the complement: MAP3K7 is on the minus strand). VCF-style: chr6-90556495-T-G. GRCh37 (hg19) VCF-style: chr6-91266214-T-G.
Other names: c.607+5A>C (NM_145333.3, NM_003188.4, NM_145332.3).
Identifiers: ClinVar variation 2108973 (VCV002108973.4), dbSNP rs2481830559, ClinGen allele CA2578694290.

ClinVar aggregate classification (germline): Uncertain significance (1 of 4 stars; one submission).

Allele frequency attached by ClinVar (database versions not stated): gnomAD exomes below 0.00001.
gnomAD v4.1: 1 of 1,610,240 alleles (0.000062%); highest among the groups gnomAD compares: Non-Finnish European, 0.000085%; no homozygotes.

Submission:

Labcorp Genetics (formerly Invitae), Labcorp
Classification: Uncertain significance. Last evaluated: 2023-03-08. Review status: criteria provided, single submitter. Criteria: Invitae Variant Classification Sherloc (09022015). Collection method: clinical testing. Allele origin: germline.
Comment: This sequence change falls in intron 6 of the MAP3K7 gene. It does not directly change the encoded amino acid sequence of the MAP3K7 protein. It affects a nucleotide within the consensus splice site. This variant is not present in population databases (gnomAD no frequency). This variant has not been reported in the literature in individuals affected with MAP3K7-related conditions. ClinVar contains an entry for this variant (Variation ID: 2108973). Variants that disrupt the consensus splice site are a relatively common cause of aberrant splicing (PMID: 17576681, 9536098). Algorithms developed to predict the effect of sequence changes on RNA splicing suggest that this variant is not likely to affect RNA splicing. In summary, the available evidence is currently insufficient to determine the role of this variant in disease. Therefore, it has been classified as a Variant of Uncertain Significance.

Literature cited by the submitters: PubMed 17576681; PubMed 9536098.